The following is an entry in ClinVar:

NM_000263.4(NAGLU):c.782A>G (p.Asn261Ser)

Gene: NAGLU (N-acetyl-alpha-glucosaminidase; plus strand). Cytogenetic location: 17q21.2.
Variant type: single nucleotide variant.
Coding change: c.782A>G on transcript NM_000263.4 (MANE Select); coding-DNA position 782, A replaced by G.
Protein change: p.Asn261Ser; replaces asparagine 261 with serine.
Molecular consequence: missense variant.
Genome position (GRCh38, 1-based): chr17:42,540,967, A>G. VCF-style: chr17-42540967-A-G. GRCh37 (hg19) VCF-style: chr17-40692985-A-G.
Other names: c.782A>G (NM_000263.3); short protein forms N261S.
Identifiers: ClinVar variation 2162470 (VCV002162470.2), dbSNP rs771770163, ClinGen allele CA8576875.

ClinVar aggregate classification (germline): Uncertain significance. Review status: criteria provided, multiple submitters, no conflicts (2 of 4 stars). 2 submissions from 2 submitters: Uncertain significance (2). Last evaluated 2024-11-26.

Conditions:
NAGLU-related disorder. Also called: NAGLU-related condition.
Charcot-Marie-Tooth disease axonal type 2V. Also called: CHARCOT-MARIE-TOOTH NEUROPATHY, TYPE 2V; CHARCOT-MARIE-TOOTH DISEASE, AXONAL, AUTOSOMAL DOMINANT, TYPE 2V. Identifiers: Orphanet 447964, MedGen C5569050, MONDO:0014665, OMIM 616491.
Mucopolysaccharidosis, MPS-III-B (MPS3B). Also called: N-ACETYL-ALPHA-D-GLUCOSAMINIDASE DEFICIENCY; NAGLU DEFICIENCY; SANFILIPPO SYNDROME B; MPS III B; MUCOPOLYSACCHARIDOSIS, TYPE IIIB; MPS IIIB (Sanfilippo Syndrome Type B). Identifiers: Orphanet 79270, MedGen C0086648, MONDO:0009656, OMIM 252920.

Allele frequency attached by ClinVar (database versions not stated): gnomAD 0.00002; ExAC 0.00003; TOPMed 0.00005.

Submissions (2):

PreventionGenetics, part of Exact Sciences
Classification: Uncertain significance for NAGLU-related condition. Last evaluated: 2024-11-26. Review status: criteria provided, single submitter. Criteria: ACMG Guidelines, 2015. Collection method: clinical testing. Allele origin: germline.
Comment: The NAGLU c.782A>G variant is predicted to result in the amino acid substitution p.Asn261Ser. To our knowledge, this variant has not been reported in the literature. This variant is reported in 0.016% of alleles in individuals of East Asian descent in gnomAD. At this time, the clinical significance of this variant is uncertain due to the absence of conclusive functional and genetic evidence.

Labcorp Genetics (formerly Invitae), Labcorp
Classification: Uncertain significance for Charcot-Marie-Tooth disease axonal type 2V; Mucopolysaccharidosis, MPS-III-B. Last evaluated: 2022-08-23. Review status: criteria provided, single submitter. Criteria: Invitae Variant Classification Sherloc (09022015). Collection method: clinical testing. Allele origin: germline.
Comment: This sequence change replaces asparagine, which is neutral and polar, with serine, which is neutral and polar, at codon 261 of the NAGLU protein (p.Asn261Ser). This variant is present in population databases (rs771770163, gnomAD 0.02%). This variant has not been reported in the literature in individuals affected with NAGLU-related conditions. Advanced modeling of protein sequence and biophysical properties (such as structural, functional, and spatial information, amino acid conservation, physicochemical variation, residue mobility, and thermodynamic stability) performed at Invitae indicates that this missense variant is not expected to disrupt NAGLU protein function. Algorithms developed to predict the effect of sequence changes on RNA splicing suggest that this variant may create or strengthen a splice site. In summary, the available evidence is currently insufficient to determine the role of this variant in disease. Therefore, it has been classified as a Variant of Uncertain Significance.